The following is an entry in ClinVar:

NM_000218.3(KCNQ1):c.683+4C>A

Gene: KCNQ1 (potassium voltage-gated channel subfamily Q member 1; plus strand). Cytogenetic location: 11p15.5.
Variant type: single nucleotide variant.
Coding change: c.683+4C>A on transcript NM_000218.3 (MANE Select); 4 bases into the intron after coding-DNA position 683, C replaced by A.
Molecular consequence: intron variant.
Genome position (GRCh38, 1-based): chr11:2,571,407, C>A. VCF-style: chr11-2571407-C-A. GRCh37 (hg19) VCF-style: chr11-2592637-C-A.
Other names: c.413+4C>A (NM_001406837.1); c.683+4C>A (NM_001406836.1); c.478-12028C>A (NM_001406838.1); c.302+4C>A (NM_181798.2).
Identifiers: ClinVar variation 3616823 (VCV003616823.2).

ClinVar aggregate classification (germline): Uncertain significance (1 of 4 stars; one submission).

Conditions:
Long QT syndrome (LQTS). Identifiers: MedGen C0023976, MeSH D008133, MONDO:0002442. Disease mechanism: loss of function. Inheritance: Various modes of inheritance.

gnomAD v4.1: 2 of 1,609,164 alleles (0.00012%); highest among the groups gnomAD compares: Non-Finnish European, 0.000085%; no homozygotes.

Submission:

Labcorp Genetics (formerly Invitae), Labcorp
Classification: Uncertain significance for Long QT syndrome. Last evaluated: 2024-11-26. Review status: criteria provided, single submitter. Criteria: Invitae Variant Classification Sherloc (09022015). Collection method: clinical testing. Allele origin: germline.
Comment: This sequence change falls in intron 4 of the KCNQ1 gene. It does not directly change the encoded amino acid sequence of the KCNQ1 protein. It affects a nucleotide within the consensus splice site. The frequency data for this variant in the population databases is considered unreliable, as metrics indicate poor data quality at this position in the gnomAD database. This variant has not been reported in the literature in individuals affected with KCNQ1-related conditions. Variants that disrupt the consensus splice site are a relatively common cause of aberrant splicing (PMID: 17576681, 9536098). Algorithms developed to predict the effect of sequence changes on RNA splicing suggest that this variant is not likely to affect RNA splicing. In summary, the available evidence is currently insufficient to determine the role of this variant in disease. Therefore, it has been classified as a Variant of Uncertain Significance.

Literature cited by the submitters: PubMed 17576681; PubMed 9536098.